The following is an entry in ClinVar:

ClinVar aggregate classification (germline): Uncertain significance (1 of 4 stars; one submission).

Conditions:
Joubert syndrome 23 (JBTS23). Identifiers: Orphanet 475, MedGen C4084822, MONDO:0014664, OMIM 616490.
Short-rib thoracic dysplasia 14 with polydactyly (SRTD14). Identifiers: Orphanet 397715, MedGen C4225286, MONDO:0014688, OMIM 616546.

Submission:

Labcorp Genetics (formerly Invitae), Labcorp
Classification: Uncertain significance for Joubert syndrome 23; Short-rib thoracic dysplasia 14 with polydactyly. Last evaluated: 2022-10-25. Review status: criteria provided, single submitter. Criteria: Invitae Variant Classification Sherloc (09022015). Collection method: clinical testing. Allele origin: germline.
Comment: This sequence change replaces arginine, which is basic and polar, with serine, which is neutral and polar, at codon 34 of the KIAA0586 protein (p.Arg34Ser). Information on the frequency of this variant in the gnomAD database is not available, as this variant may be reported differently in the database. This variant has not been reported in the literature in individuals affected with KIAA0586-related conditions. ClinVar contains an entry for this variant (Variation ID: 1412723). Experimental studies and prediction algorithms are not available or were not evaluated, and the functional significance of this variant is currently unknown. In summary, the available evidence is currently insufficient to determine the role of this variant in disease. Therefore, it has been classified as a Variant of Uncertain Significance.

NM_001329943.3(KIAA0586):c.63_64delinsAA (p.Arg22Ser)

Gene: KIAA0586 (KIAA0586; plus strand). Cytogenetic location: 14q23.1.
Variant type: Indel.
Coding change: c.63_64delinsAA on transcript NM_001329943.3 (MANE Select); coding-DNA positions 63 to 64, TC replaced by AA.
Protein change: p.Arg22Ser; replaces arginine 22 with serine.
Molecular consequence: missense variant. On other transcripts: intron variant (5).
Genome position (GRCh38, 1-based): chr14:58,428,327-58,428,328, TC replaced by AA. VCF-style: chr14-58428327-TC-AA. GRCh37 (hg19) VCF-style: chr14-58895045-TC-AA.
Other names: c.99_100delinsAA, p.Arg34Ser (NM_001244189.2); c.18_19delinsAA, p.Arg7Ser (NM_001244190.2); c.63_64delinsAA, p.Arg22Ser (NM_001329944.2, NM_001329946.2, NM_001329947.2 and 1 more transcripts); c.-57+690_-57+691delinsAA (NM_001244192.2, NM_001244191.2); c.-57+514_-57+515delinsAA (NM_001364701.2, NM_001329945.2, NM_001364700.1); short protein forms R22S, R34S, R7S.
Identifiers: ClinVar variation 1412723 (VCV001412723.3), dbSNP rs2140373651, ClinGen allele CA2573150057.
Genomic context (GRCh38, chr14:58,428,327, plus strand): 5'-GAAAGGCTCTGAGGTCAGCTTGGAGAAGAAAAAAAAGATTAAGATGCCAGTGAAGAGACT[TC>AA]GTGAGGTAGTTTCTCAAAATCATGGAGATCATTTGGTTTTGCTGAAAGATGAGTTGCCCT-3'
Protein context (NP_001316872.1, residues 12-32): KKIKMPVKRL[Arg22Ser]EVVSQNHGDH